The following is an entry in ClinVar:

ClinVar aggregate classification (germline): Likely benign (1 of 4 stars; one submission).

Conditions:
HCN2-related disorder. Also called: HCN2-related condition.

gnomAD v4.1: 62 of 1,611,134 alleles (0.0038%); highest among the groups gnomAD compares: East Asian, 0.018%; no homozygotes.

Submission:

PreventionGenetics, part of Exact Sciences
Classification: Likely benign for HCN2-related condition. Last evaluated: 2025-11-09. Review status: criteria provided, single submitter. Criteria: ACMG Guidelines, 2015. Collection method: clinical testing. Allele origin: germline.
Comment: This variant is classified as likely benign based on ACMG/AMP sequence variant interpretation guidelines (Richards et al. 2015 PMID: 25741868, with internal and published modifications).

NM_001194.4(HCN2):c.1584+8G>A

Gene: HCN2 (hyperpolarization activated cyclic nucleotide gated potassium and sodium channel 2; plus strand). Cytogenetic location: 19p13.3.
Variant type: single nucleotide variant.
Coding change: c.1584+8G>A on transcript NM_001194.4 (MANE Select); 8 bases into the intron after coding-DNA position 1584, G replaced by A.
Molecular consequence: intron variant.
Genome position (GRCh38, 1-based): chr19:610,413, G>A. VCF-style: chr19-610413-G-A. GRCh37 (hg19) VCF-style: chr19-610413-G-A.
Identifiers: ClinVar variation 4979539 (VCV004979539.1).